The following is an entry in ClinVar:

ClinVar aggregate classification (germline): Uncertain significance (1 of 4 stars; one submission).

Conditions:
Glycine encephalopathy. Also called: Nonketotic hyperglycinemia; Non-ketotic hyperglycinemia. Identifiers: Orphanet 407, MedGen C0751748, MONDO:0011612, HP:0008288.

Submission:

Labcorp Genetics (formerly Invitae), Labcorp
Classification: Uncertain significance for Glycine encephalopathy. Last evaluated: 2022-07-22. Review status: criteria provided, single submitter. Criteria: Invitae Variant Classification Sherloc (09022015). Collection method: clinical testing. Allele origin: germline.
Comment: In summary, the available evidence is currently insufficient to determine the role of this variant in disease. Therefore, it has been classified as a Variant of Uncertain Significance. Advanced modeling of protein sequence and biophysical properties (such as structural, functional, and spatial information, amino acid conservation, physicochemical variation, residue mobility, and thermodynamic stability) performed at Invitae indicates that this missense variant is not expected to disrupt AMT protein function. ClinVar contains an entry for this variant (Variation ID: 1404281). This variant has not been reported in the literature in individuals affected with AMT-related conditions. This variant is not present in population databases (gnomAD no frequency). This sequence change replaces asparagine, which is neutral and polar, with serine, which is neutral and polar, at codon 112 of the AMT protein (p.Asn112Ser).

NM_000481.4(AMT):c.335A>G (p.Asn112Ser)

Gene: AMT (aminomethyltransferase; minus strand). Cytogenetic location: 3p21.31.
Variant type: single nucleotide variant.
Coding change: c.335A>G on transcript NM_000481.4 (MANE Select); coding-DNA position 335, A replaced by G.
Protein change: p.Asn112Ser; replaces asparagine 112 with serine.
Molecular consequence: missense variant. On other transcripts: non-coding transcript variant (1).
Genome position (GRCh38, 1-based): chr3:49,421,496, T>C on the plus strand (A>G on the coding strand, the complement: AMT is on the minus strand). VCF-style: chr3-49421496-T-C. GRCh37 (hg19) VCF-style: chr3-49458929-T-C.
Other names: c.335A>G, p.Asn112Ser (NM_001164710.2, NM_001164712.2); c.167A>G, p.Asn56Ser (NM_001164711.2); short protein forms N112S, N56S.
Identifiers: ClinVar variation 1404281 (VCV001404281.6), dbSNP rs2107935915, ClinGen allele CA352790828.